The following is an entry in ClinVar:

NM_004817.4(TJP2):c.2115C>A (p.Asp705Glu)

Gene: TJP2 (tight junction protein 2; plus strand). Cytogenetic location: 9q21.11.
Variant type: single nucleotide variant.
Coding change: c.2115C>A on transcript NM_004817.4 (MANE Select); coding-DNA position 2115, C replaced by A.
Protein change: p.Asp705Glu; replaces aspartic acid 705 with glutamic acid.
Molecular consequence: missense variant.
Genome position (GRCh38, 1-based): chr9:69,237,072, C>A. VCF-style: chr9-69237072-C-A. GRCh37 (hg19) VCF-style: chr9-71851988-C-A.
Other names: c.2046C>A, p.Asp682Glu (NM_001170414.2, NM_001369871.1); c.2127C>A, p.Asp709Glu (NM_001170415.1, NM_001369874.1, NM_001369875.1); c.2208C>A, p.Asp736Glu (NM_001170416.2); c.2040C>A, p.Asp680Glu (NM_001369870.1); c.2115C>A, p.Asp705Glu (NM_001369872.1, NM_001369873.1, NM_201629.3); short protein forms D680E, D682E, D705E, D709E, D736E.
Identifiers: ClinVar variation 1304183 (VCV001304183.2), dbSNP rs2133388522, ClinGen allele CA373533003.
Genomic context (GRCh38, chr9:69,237,072, plus strand): 5'-CTGGAGAATGCGTGGCCAGAGGTCTGGGGTGAAGAAGAACCTGAGGAAAAGTCGGGAAGA[C>A]CTCACAGCTGTTGTGTCTGTCAGCACCAAGTTCCCAGCTTATGAGAGGGTTTTGCTGCGA-3'
Protein context (NP_004808.2, residues 695-715): VKKNLRKSRE[Asp705Glu]LTAVVSVSTK

ClinVar aggregate classification (germline): Uncertain significance (1 of 4 stars; one submission).

Allele frequency attached by ClinVar (database versions not stated): gnomAD exomes below 0.00001.
gnomAD v4.1: 1 of 1,614,128 alleles (0.000062%); highest among the groups gnomAD compares: Non-Finnish European, 0.000085%; no homozygotes.

Submission:

GeneDx
Classification: Uncertain significance. Last evaluated: 2019-03-26. Review status: criteria provided, single submitter. Criteria: GeneDx Variant Classification Process June 2021. Collection method: clinical testing. Allele origin: germline. Affected: yes.
Comment: Not observed in large population cohorts (Lek et al., 2016); In silico analysis, which includes protein predictors and evolutionary conservation, supports a deleterious effect; Has not been previously published as pathogenic or benign to our knowledge